The following is an entry in ClinVar:

ClinVar aggregate classification (germline): Uncertain significance (1 of 4 stars; one submission).

Conditions:
Werner syndrome (WRN). Identifiers: Orphanet 902, MedGen C0043119, MONDO:0010196, OMIM 277700.

Allele frequency attached by ClinVar (database versions not stated): TOPMed 0.00002.
gnomAD v4.1: 40 of 1,610,036 alleles (0.0025%); highest among the groups gnomAD compares: Admixed American, 0.0033%; no homozygotes.

Submission:

Labcorp Genetics (formerly Invitae), Labcorp
Classification: Uncertain significance for Werner syndrome. Last evaluated: 2026-01-26. Review status: criteria provided, single submitter. Criteria: Invitae Variant Classification Sherloc (09022015). Collection method: clinical testing. Allele origin: germline.
Comment: This sequence change replaces leucine, which is neutral and non-polar, with methionine, which is neutral and non-polar, at codon 528 of the WRN protein (p.Leu528Met). This variant is present in population databases (rs752994352, gnomAD 0.005%). This variant has not been reported in the literature in individuals affected with WRN-related conditions. ClinVar contains an entry for this variant (Variation ID: 528165). An algorithm developed to predict the effect of missense changes on protein structure and function (PolyPhen-2) suggests that this variant is likely to be disruptive. In summary, the available evidence is currently insufficient to determine the role of this variant in disease. Therefore, it has been classified as a Variant of Uncertain Significance.

NM_000553.6(WRN):c.1582T>A (p.Leu528Met)

Gene: WRN (WRN RecQ like helicase; plus strand). Cytogenetic location: 8p12.
Variant type: single nucleotide variant.
Coding change: c.1582T>A on transcript NM_000553.6 (MANE Select); coding-DNA position 1582, T replaced by A.
Protein change: p.Leu528Met; replaces leucine 528 with methionine.
Molecular consequence: missense variant.
Genome position (GRCh38, 1-based): chr8:31,088,895, T>A. VCF-style: chr8-31088895-T-A. GRCh37 (hg19) VCF-style: chr8-30946411-T-A.
Other names: short protein forms L528M.
Identifiers: ClinVar variation 528165 (VCV000528165.8), dbSNP rs752994352, ClinGen allele CA4704423.